The following is an entry in ClinVar:

NM_014140.4(SMARCAL1):c.1762G>C (p.Ala588Pro)

Gene: SMARCAL1 (SNF2 related chromatin remodeling annealing helicase 1; plus strand). Cytogenetic location: 2q35.
Variant type: single nucleotide variant.
Coding change: c.1762G>C on transcript NM_014140.4 (MANE Select); coding-DNA position 1762, G replaced by C.
Protein change: p.Ala588Pro; replaces alanine 588 with proline.
Molecular consequence: missense variant.
Genome position (GRCh38, 1-based): chr2:216,447,069, G>C. VCF-style: chr2-216447069-G-C. GRCh37 (hg19) VCF-style: chr2-217311792-G-C.
Other names: c.1762G>C, p.Ala588Pro (NM_001127207.2); short protein forms A588P.
Identifiers: ClinVar variation 1407136 (VCV001407136.6), dbSNP rs769553029, ClinGen allele CA350501689.

ClinVar aggregate classification (germline): Uncertain significance. Review status: criteria provided, multiple submitters, no conflicts (2 of 4 stars). 2 submissions from 2 submitters: Uncertain significance (2). Last evaluated 2024-04-08.

Conditions:
Schimke immuno-osseous dysplasia (SIOD). Also called: Schimke Immunoosseous Dysplasia. Identifiers: Orphanet 1830, MedGen C0877024, MONDO:0009458, OMIM 242900.

Allele frequency attached by ClinVar (database versions not stated): TOPMed below 0.00001.
gnomAD v4.1: 3 of 1,600,942 alleles (0.00019%); highest among the groups gnomAD compares: Non-Finnish European, 0.00026%; no homozygotes.

Submissions (2):

Fulgent Genetics
Classification: Uncertain significance for Schimke immuno-osseous dysplasia. Last evaluated: 2024-04-08. Review status: criteria provided, single submitter. Criteria: ACMG Guidelines, 2015. Collection method: clinical testing. Allele origin: germline.

Labcorp Genetics (formerly Invitae), Labcorp
Classification: Uncertain significance for Schimke immuno-osseous dysplasia. Last evaluated: 2022-06-26. Review status: criteria provided, single submitter. Criteria: Invitae Variant Classification Sherloc (09022015). Collection method: clinical testing. Allele origin: germline.
Comment: This sequence change replaces alanine, which is neutral and non-polar, with proline, which is neutral and non-polar, at codon 588 of the SMARCAL1 protein (p.Ala588Pro). This variant is present in population databases (no rsID available, gnomAD 0.0009%). This variant has not been reported in the literature in individuals affected with SMARCAL1-related conditions. Algorithms developed to predict the effect of missense changes on protein structure and function are either unavailable or do not agree on the potential impact of this missense change (SIFT: "Tolerated"; PolyPhen-2: "Probably Damaging"; Align-GVGD: "Class C0"). In summary, the available evidence is currently insufficient to determine the role of this variant in disease. Therefore, it has been classified as a Variant of Uncertain Significance.